The following is an entry in ClinVar:

NM_000548.5(TSC2):c.2095C>T (p.Gln699Ter)

Gene: TSC2 (TSC complex subunit 2; plus strand). Cytogenetic location: 16p13.3.
Variant type: single nucleotide variant.
Coding change: c.2095C>T on transcript NM_000548.5 (MANE Select); coding-DNA position 2095, C replaced by T.
Protein change: p.Gln699Ter; replaces glutamine 699 with a stop codon.
Molecular consequence: nonsense.
Genome position (GRCh38, 1-based): chr16:2,071,932, C>T. VCF-style: chr16-2071932-C-T. GRCh37 (hg19) VCF-style: chr16-2121933-C-T.
Other names: c.2095C>T, p.Gln699Ter (NM_001077183.3, NM_001114382.3, NM_001363528.2 and 3 more transcripts); c.1984C>T, p.Gln662Ter (NM_001318827.2); c.1948C>T, p.Gln650Ter (NM_001318829.2); c.1495C>T, p.Gln499Ter (NM_001318831.2); c.2128C>T, p.Gln710Ter (NM_001318832.2); short protein forms Q699*, Q499*, Q710*, Q662*, Q650*.
Identifiers: ClinVar variation 49191 (VCV000049191.8), dbSNP rs45517210, ClinGen allele CA016676.

ClinVar aggregate classification (germline): Pathogenic. Review status: criteria provided, multiple submitters, no conflicts (2 of 4 stars). 3 submissions from 3 submitters: Pathogenic (2). 1 of the submissions does not count toward it. Last evaluated 2023-05-31.

Conditions:
Tuberous sclerosis syndrome (TSC). Also called: Tuberous Sclerosis Complex; Tuberous sclerosis. Identifiers: Orphanet 805, MedGen C0041341, MONDO:0001734.
Tuberous sclerosis 2 (TSC2). Identifiers: Orphanet 805, MedGen C1860707, MONDO:0013199, OMIM 613254.

Submissions (3):

GeneDx
Classification: Pathogenic. Last evaluated: 2023-05-31. Review status: criteria provided, single submitter. Criteria: GeneDx Variant Classification Process June 2021. Collection method: clinical testing. Allele origin: germline. Affected: yes.
Comment: Nonsense variant predicted to result in protein truncation or nonsense mediated decay in a gene for which loss-of-function is a known mechanism of disease; Not observed at significant frequency in large population cohorts (gnomAD); Has not been previously published as pathogenic or benign to our knowledge; This variant is associated with the following publications: (PMID: 25525159)

Labcorp Genetics (formerly Invitae), Labcorp
Classification: Pathogenic for Tuberous sclerosis 2. Last evaluated: 2023-02-25. Review status: criteria provided, single submitter. Criteria: Invitae Variant Classification Sherloc (09022015). Collection method: clinical testing. Allele origin: germline.
Comment: This sequence change creates a premature translational stop signal (p.Gln699*) in the TSC2 gene. It is expected to result in an absent or disrupted protein product. Loss-of-function variants in TSC2 are known to be pathogenic (PMID: 10205261, 17304050). This variant is not present in population databases (gnomAD no frequency). This variant has not been reported in the literature in individuals affected with TSC2-related conditions. ClinVar contains an entry for this variant (Variation ID: 49191). Algorithms developed to predict the effect of sequence changes on RNA splicing suggest that this variant may create or strengthen a splice site. For these reasons, this variant has been classified as Pathogenic.

Tuberous sclerosis database (TSC2)
No classification provided. Condition: TSC. Review status: no classification provided. Criteria: Tuberous Sclerosis Database Assertion Criteria 2015. Collection method: curation. Allele origin: germline. Affected: yes. Not counted in ClinVar's aggregate classification.

Literature cited by the submitters: PubMed 10205261 (cited by Labcorp Genetics (formerly Invitae), Labcorp); PubMed 17304050 (cited by Labcorp Genetics (formerly Invitae), Labcorp).